The following is an entry in ClinVar:

ClinVar aggregate classification (germline): Uncertain significance (1 of 4 stars; one submission).

Conditions:
Fanconi anemia (FA). Also called: Fanconi's anemia. Identifiers: Orphanet 84, MedGen C0015625, MeSH D005199, MONDO:0019391.

gnomAD v4.1: 1 of 1,613,726 alleles (0.000062%); highest among the groups gnomAD compares: Non-Finnish European, 0.000085%; no homozygotes.

Submission:

Labcorp Genetics (formerly Invitae), Labcorp
Classification: Uncertain significance for Fanconi anemia. Last evaluated: 2022-04-22. Review status: criteria provided, single submitter. Criteria: Invitae Variant Classification Sherloc (09022015). Collection method: clinical testing. Allele origin: germline.
Comment: In summary, the available evidence is currently insufficient to determine the role of this variant in disease. Therefore, it has been classified as a Variant of Uncertain Significance. Variants that disrupt the consensus splice site are a relatively common cause of aberrant splicing (PMID: 17576681, 9536098). Algorithms developed to predict the effect of sequence changes on RNA splicing suggest that this variant may disrupt the consensus splice site. Algorithms developed to predict the effect of missense changes on protein structure and function are either unavailable or do not agree on the potential impact of this missense change (SIFT: "Deleterious"; PolyPhen-2: "Possibly Damaging"; Align-GVGD: "Class C0"). This variant has not been reported in the literature in individuals affected with FANCI-related conditions. This variant is not present in population databases (gnomAD no frequency). This sequence change replaces glutamic acid, which is acidic and polar, with lysine, which is basic and polar, at codon 1020 of the FANCI protein (p.Glu1020Lys). This variant also falls at the last nucleotide of exon 28, which is part of the consensus splice site for this exon.

Literature cited by the submitters: PubMed 17576681; PubMed 9536098.

NM_001113378.2(FANCI):c.3058G>A (p.Glu1020Lys)

Gene: FANCI (FA complementation group I; plus strand). Cytogenetic location: 15q26.1.
Variant type: single nucleotide variant.
Coding change: c.3058G>A on transcript NM_001113378.2 (MANE Select); coding-DNA position 3058, G replaced by A.
Protein change: p.Glu1020Lys; replaces glutamic acid 1020 with lysine.
Molecular consequence: missense variant.
Genome position (GRCh38, 1-based): chr15:89,303,915, G>A. VCF-style: chr15-89303915-G-A. GRCh37 (hg19) VCF-style: chr15-89847146-G-A.
Other names: c.2779G>A, p.Glu927Lys (NM_001376910.1); c.3058G>A, p.Glu1020Lys (NM_001376911.1); c.2878G>A, p.Glu960Lys (NM_018193.3); short protein forms E1020K, E927K, E960K.
Identifiers: ClinVar variation 2129249 (VCV002129249.4), dbSNP rs998764851, ClinGen allele CA393738843.